The following is an entry in ClinVar:

NM_001172509.2(SATB2):c.346+2T>C

Gene: SATB2 (SATB homeobox 2; minus strand). Cytogenetic location: 2q33.1.
Variant type: single nucleotide variant.
Coding change: c.346+2T>C on transcript NM_001172509.2 (MANE Select); the canonical splice donor site of the intron after coding-DNA position 346, T replaced by C.
Molecular consequence: splice donor variant.
Genome position (GRCh38, 1-based): chr2:199,433,336, A>G on the plus strand (T>C on the coding strand, the complement: SATB2 is on the minus strand). VCF-style: chr2-199433336-A-G. GRCh37 (hg19) VCF-style: chr2-200298059-A-G.
Other names: c.346+2T>C (NM_001172517.1, NM_015265.4).
Identifiers: ClinVar variation 4959353 (VCV004959353.2).
Genomic context (GRCh38, chr2:199,433,336, plus strand): 5'-ATATTCTTCCTCAAATTATGACACACAAGAGACTTGGGAGGAGAGGGGAGAGGCATTAAT[A>G]CCTTGGGCCTGGGCCGCAGAGCTGTGAGAATACCCCAGGGCCAGGAGCGCAGTCTCCACC-3'

ClinVar aggregate classification (germline): Pathogenic/Likely pathogenic. Review status: criteria provided, multiple submitters, no conflicts (2 of 4 stars). 2 submissions from 2 submitters: Pathogenic (1); Likely pathogenic (1). Last evaluated 2026-09-01.

Conditions:
SATB2-related disorder. Also called: SATB2-related condition.

Submissions (2):

CeGaT Center for Human Genetics Tuebingen
Classification: Likely pathogenic. Last evaluated: 2026-09-01. Review status: criteria provided, single submitter. Criteria: CeGaT Center For Human Genetics Tuebingen Variant Classification Criteria Version 2. Collection method: clinical testing. Allele origin: germline. Affected: yes. Observed: 1 variant allele.
Comment: SATB2: PVS1:Strong, PM2, PS1:Supporting

Blueprint Genetics
Classification: Pathogenic for SATB2-related disorders. Last evaluated: 2022-05-04. Review status: criteria provided, single submitter. Criteria: ACMG Guidelines, 2015. Collection method: clinical testing. Allele origin: de novo. Affected: yes. Observed: 1 variant allele.